The following is an entry in ClinVar:

ClinVar aggregate classification (germline): Uncertain significance (1 of 4 stars; one submission).

Conditions:
Autosomal dominant nocturnal frontal lobe epilepsy 5. Also called: KCNT1-Related Epilepsy; CILIARY DYSKINESIA, PRIMARY, 28, WITHOUT SITUS INVERSUS; CILIARY DYSKINESIA, PRIMARY, 28, WITH SITUS INVERSUS; Epilepsy, nocturnal frontal lobe, 5. Identifiers: Orphanet 98784, MedGen C3554306, MONDO:0014002, OMIM 615005.
Developmental and epileptic encephalopathy, 14 (DEE14). Also called: Early infantile epileptic encephalopathy 14. Identifiers: Orphanet 293181, MedGen C3554195, MONDO:0013989, OMIM 614959.

Submission:

Labcorp Genetics (formerly Invitae), Labcorp
Classification: Uncertain significance for Autosomal dominant nocturnal frontal lobe epilepsy 5; Developmental and epileptic encephalopathy, 14. Last evaluated: 2024-06-03. Review status: criteria provided, single submitter. Criteria: Invitae Variant Classification Sherloc (09022015). Collection method: clinical testing. Allele origin: germline.
Comment: This sequence change falls in intron 27 of the KCNT1 gene. It does not directly change the encoded amino acid sequence of the KCNT1 protein. This variant is not present in population databases (gnomAD no frequency). This variant has not been reported in the literature in individuals affected with KCNT1-related conditions. Experimental studies and prediction algorithms are not available or were not evaluated, and the effect of this variant on mRNA splicing is currently unknown. In summary, the available evidence is currently insufficient to determine the role of this variant in disease. Therefore, it has been classified as a Variant of Uncertain Significance.

NM_020822.3(KCNT1):c.3156+44_3156+45insCGTGTGACCCACAGCATCCCCACCTTCCGGGGGCTGGGACTGTGGCAGCCCCTGTCC

Gene: KCNT1 (potassium sodium-activated channel subfamily T member 1; plus strand). Cytogenetic location: 9q34.3.
Variant type: Microsatellite.
Coding change: c.3156+44_3156+45insCGTGTGACCCACAGCATCCCCACCTTCCGGGGGCTGGGACTGTGGCAGCCCCTGTCC on transcript NM_020822.3 (MANE Select); bases 44 to 45 of the intron after coding-DNA position 3156, CGTGTGACCCACAGCATCCCCACCTTCCGGGGGCTGGGACTGTGGCAGCCCCTGTCC inserted.
Molecular consequence: intron variant.
Genome position: GRCh38: chr9:135,784,905-135,784,933. GRCh37 (hg19), VCF-style position (the base before the change): chr9:138,676,750.
Other names: c.3021+44_3021+45insCGTGTGACCCACAGCATCCCCACCTTCCGGGGGCTGGGACTGTGGCAGCCCCTGTCC (NM_001272003.2).
Identifiers: ClinVar variation 3758599 (VCV003758599.2).